The following is an entry in ClinVar:

ClinVar aggregate classification (germline): Uncertain significance (1 of 4 stars; one submission).

Conditions:
Oculodentodigital dysplasia, autosomal recessive. Also called: OCULODENTOOSSEOUS DYSPLASIA, AUTOSOMAL RECESSIVE; ODDD, AUTOSOMAL RECESSIVE; ODOD, AUTOSOMAL RECESSIVE. Identifiers: Orphanet 2710, MedGen C2749477, MONDO:0009768, OMIM 257850.

Allele frequency attached by ClinVar (database versions not stated): gnomAD exomes 0.00001; ESP Exome Variant Server 0.00008.
gnomAD v4.1: 9 of 1,613,950 alleles (0.00056%); highest among the groups gnomAD compares: Non-Finnish European, 0.00076%; no homozygotes.

Submission:

Labcorp Genetics (formerly Invitae), Labcorp
Classification: Uncertain significance for Oculodentodigital dysplasia, autosomal recessive. Last evaluated: 2023-11-27. Review status: criteria provided, single submitter. Criteria: Invitae Variant Classification Sherloc (09022015). Collection method: clinical testing. Allele origin: germline.
Comment: This sequence change replaces aspartic acid, which is acidic and polar, with asparagine, which is neutral and polar, at codon 245 of the GJA1 protein (p.Asp245Asn). This variant is not present in population databases (gnomAD no frequency). This variant has not been reported in the literature in individuals affected with GJA1-related conditions. Advanced modeling of protein sequence and biophysical properties (such as structural, functional, and spatial information, amino acid conservation, physicochemical variation, residue mobility, and thermodynamic stability) performed at Invitae indicates that this missense variant is not expected to disrupt GJA1 protein function with a negative predictive value of 80%. In summary, the available evidence is currently insufficient to determine the role of this variant in disease. Therefore, it has been classified as a Variant of Uncertain Significance.

NM_000165.5(GJA1):c.733G>A (p.Asp245Asn)

Gene: GJA1 (gap junction protein alpha 1; plus strand). Cytogenetic location: 6q22.31.
Variant type: single nucleotide variant.
Coding change: c.733G>A on transcript NM_000165.5 (MANE Select); coding-DNA position 733, G replaced by A.
Protein change: p.Asp245Asn; replaces aspartic acid 245 with asparagine.
Molecular consequence: missense variant.
Genome position (GRCh38, 1-based): chr6:121,447,580, G>A. VCF-style: chr6-121447580-G-A. GRCh37 (hg19) VCF-style: chr6-121768726-G-A.
Other names: short protein forms D245N.
Identifiers: ClinVar variation 2795551 (VCV002795551.3), dbSNP rs367628979, ClinGen allele CA146810031.